The following is an entry in ClinVar:

ClinVar aggregate classification (germline): Uncertain significance (1 of 4 stars; one submission).

Submission:

GeneDx
Classification: Uncertain significance. Last evaluated: 2024-07-17. Review status: criteria provided, single submitter. Criteria: GeneDx Variant Classification Process June 2021. Collection method: clinical testing. Allele origin: germline. Affected: yes.
Comment: Not observed at significant frequency in large population cohorts (gnomAD); In-frame deletion of 3 amino acids in a non-repeat region; In silico analysis indicates that this variant does not alter protein structure/function; Has not been previously published as pathogenic or benign to our knowledge

NM_001378454.1(ALMS1):c.220_228del (p.Glu74_Ala76del)

Gene: ALMS1 (ALMS1 centrosome and basal body associated protein; plus strand). Cytogenetic location: 2p13.1.
Variant type: Deletion.
Coding change: c.220_228del on transcript NM_001378454.1 (MANE Select); coding-DNA positions 220 to 228, 9 bases deleted (GAGGAGGCC; older notation c.220_228delGAGGAGGCC).
Protein change: p.Glu74_Ala76del.
Genome position (GRCh38, 1-based): chr2:73,386,088-73,386,096, GAGGAGGCC deleted; deleting any 9 consecutive bases within chr2:73,386,087-73,386,096 gives the same sequence; the c. name uses the placement nearest the transcript's 3' end. VCF-style (leftmost placement, unchanged base first): chr2-73386086-ACGAGGAGGC-A. GRCh37 (hg19) VCF-style: chr2-73613214-ACGAGGAGGC-A.
Other names: c.223_231del, p.Glu75_Ala77del (NM_015120.4).
Identifiers: ClinVar variation 3730932 (VCV003730932.1).